The following is an entry in ClinVar:

ClinVar aggregate classification (germline): Uncertain significance (1 of 4 stars; one submission).

Conditions:
Cardiovascular phenotype. Identifiers: MedGen CN230736.

Submission:

Ambry Genetics
Classification: Uncertain significance for Cardiovascular phenotype. Last evaluated: 2025-06-09. Review status: criteria provided, single submitter. Criteria: Ambry Variant Classification Scheme 2023. Collection method: clinical testing. Allele origin: germline.
Comment: The p.S1772C variant (also known as c.5315C>G), located in coding exon 27 of the SCN10A gene, results from a C to G substitution at nucleotide position 5315. The serine at codon 1772 is replaced by cysteine, an amino acid with dissimilar properties. This amino acid position is conserved. In addition, the in silico prediction for this alteration is inconclusive. Based on the available evidence, the clinical significance of this variant remains unclear.

NM_006514.4(SCN10A):c.5315C>G (p.Ser1772Cys)

Gene: SCN10A (sodium voltage-gated channel alpha subunit 10; minus strand). Cytogenetic location: 3p22.2.
Variant type: single nucleotide variant.
Coding change: c.5315C>G on transcript NM_006514.4 (MANE Select); coding-DNA position 5315, C replaced by G.
Protein change: p.Ser1772Cys; replaces serine 1772 with cysteine.
Molecular consequence: missense variant.
Genome position (GRCh38, 1-based): chr3:38,697,905, G>C on the plus strand (C>G on the coding strand, the complement: SCN10A is on the minus strand). VCF-style: chr3-38697905-G-C. GRCh37 (hg19) VCF-style: chr3-38739396-G-C.
Other names: c.5312C>G, p.Ser1771Cys (NM_001293306.2); c.5021C>G, p.Ser1674Cys (NM_001293307.2); short protein forms S1674C, S1771C, S1772C.
Identifiers: ClinVar variation 3950891 (VCV003950891.1).